The following is an entry in ClinVar:

NM_170754.4(TNS2):c.2579C>T (p.Pro860Leu)

Gene: TNS2 (tensin 2; plus strand). Cytogenetic location: 12q13.13.
Variant type: single nucleotide variant.
Coding change: c.2579C>T on transcript NM_170754.4 (MANE Select); coding-DNA position 2579, C replaced by T.
Protein change: p.Pro860Leu; replaces proline 860 with leucine.
Molecular consequence: missense variant.
Genome position (GRCh38, 1-based): chr12:53,060,220, C>T. VCF-style: chr12-53060220-C-T. GRCh37 (hg19) VCF-style: chr12-53454004-C-T.
Other names: c.2579C>T, p.Pro860Leu (NM_001416202.1); c.2537C>T, p.Pro846Leu (NM_001416203.1); c.2606C>T, p.Pro869Leu (NM_001416204.1); c.2510C>T, p.Pro837Leu (NM_015319.3); c.2207C>T, p.Pro736Leu (NM_198316.2); short protein forms P736L, P837L, P846L, P860L, P869L.
Identifiers: ClinVar variation 4804353 (VCV004804353.1).

ClinVar aggregate classification (germline): Uncertain significance (1 of 4 stars; one submission).

gnomAD v4.1: 271 of 1,556,778 alleles (0.017%); highest among the groups gnomAD compares: East Asian, 0.38%; 1 homozygote.

Submission:

Labcorp Genetics (formerly Invitae), Labcorp
Classification: Uncertain significance. Last evaluated: 2025-12-02. Review status: criteria provided, single submitter. Criteria: Invitae Variant Classification Sherloc (09022015). Collection method: clinical testing. Allele origin: germline.
Comment: This sequence change replaces proline, which is neutral and non-polar, with leucine, which is neutral and non-polar, at codon 870 of the TNS2 protein (p.Pro870Leu). This variant is present in population databases (rs117267236, gnomAD 0.09%), and has an allele count higher than expected for a pathogenic variant. This variant has not been reported in the literature in individuals affected with TNS2-related conditions. An algorithm developed to predict the effect of missense changes on protein structure and function (PolyPhen-2) suggests that this variant is likely to be tolerated. In summary, the available evidence is currently insufficient to determine the role of this variant in disease. Therefore, it has been classified as a Variant of Uncertain Significance.